The following is an entry in ClinVar:

ClinVar aggregate classification (germline): Pathogenic. Review status: reviewed by expert panel (3 of 4 stars). 3 submissions from 3 submitters: Pathogenic (1). 2 of the submissions do not count toward it. Last evaluated 2023-08-04.

Conditions:
CDH1-related diffuse gastric and lobular breast cancer syndrome. Also called: CDH1-related diffuse gastric and lobular breast cancer. Identifiers: MedGen CN311521, MONDO:0100488.
Hereditary cancer-predisposing syndrome. Also called: Hereditary neoplastic syndrome; Neoplastic Syndromes, Hereditary; Tumor predisposition; Hereditary Cancer Syndrome. Identifiers: Orphanet 140162, MedGen C0027672, MeSH D009386, MONDO:0015356.
Hereditary diffuse gastric adenocarcinoma (HDGC). Also called: DIFFUSE GASTRIC AND LOBULAR BREAST CANCER SYNDROME. Identifiers: Orphanet 26106, MedGen C1708349, MONDO:0007648, OMIM 137215.

Submissions (3):

Clingen Gastric Cancer Variant Curation Expert Panel
Classification: Pathogenic for CDH1-related diffuse gastric and lobular breast cancer syndrome. Last evaluated: 2023-08-04. Review status: reviewed by expert panel. Criteria: ClinGen CDH1 ACMG Specifications V3.1. Collection method: curation. Allele origin: germline. Inheritance: Autosomal dominant inheritance.
Comment: The c.2029dup (p.Gln677ProfsTer11) variant is predicted to result in a premature stop codon that leads to nonsense mediate decay (PVS1 and PM5_supporting). The variant is absent in the gnomAD cohort (PM2_supporting). Therefore, this variant meets criteria to be classified as pathogenic based on the ACMG/AMP criteria applied as specified by the CDH1 Variant Curation Expert Panel (CDH1 VCEP specifications version 3.1): PVS1, PM2_supporting, PM5_supporting.

Myriad Genetics, Inc.
Classification: Pathogenic for Hereditary diffuse gastric adenocarcinoma. Last evaluated: 2023-06-15. Review status: criteria provided, single submitter. Criteria: Myriad Autosomal Dominant, Autosomal Recessive and X-Linked Classification Criteria (2023). Collection method: clinical testing. Allele origin: unknown. Not counted in ClinVar's aggregate classification.
Comment: This variant is considered pathogenic. This variant creates a frameshift predicted to result in premature protein truncation.

Ambry Genetics
Classification: Pathogenic for Hereditary cancer-predisposing syndrome. Last evaluated: 2016-10-27. Review status: criteria provided, single submitter. Criteria: Ambry Variant Classification Scheme 2023. Collection method: clinical testing. Allele origin: germline. Not counted in ClinVar's aggregate classification.
Comment: The c.2029dupC pathogenic mutation, located in coding exon 13 of the CDH1 gene, results from a duplication of C at nucleotide position 2029, causing a translational frameshift with a predicted alternate stop codon (p.Q677Pfs*11). This alteration is expected to result in loss of function by premature protein truncation or nonsense-mediated mRNA decay. As such, this alteration is interpreted as a disease-causing mutation.

NM_004360.5(CDH1):c.2029dup (p.Gln677fs)

Gene: CDH1 (cadherin 1; plus strand). Cytogenetic location: 16q22.1.
Variant type: Duplication.
Coding change: c.2029dup on transcript NM_004360.5 (MANE Select); coding-DNA position 2029, one base duplicated (C; older notation c.2029dupC).
Protein change: p.Gln677fs; shifts the reading frame from glutamine 677.
Molecular consequence: frameshift variant.
Genome position (GRCh38, 1-based): chr16:68,823,491, C duplicated; the last of 2 consecutive C bases (chr16:68,823,490-68,823,491); duplicating either gives the same sequence. VCF-style (leftmost placement, unchanged base first): chr16-68823489-A-AC. GRCh37 (hg19) VCF-style: chr16-68857392-A-AC.
Other names: c.2029dup (LRG_301t1); c.1846dup, p.Gln616fs (NM_001317184.2); c.481dup, p.Gln161fs (NM_001317185.2); c.64dup, p.Gln22fs (NM_001317186.2); c.2029dupC (NM_004360.3); short protein forms Q161fs, Q22fs, Q616fs, Q677fs.
Identifiers: ClinVar variation 483251 (VCV000483251.8), dbSNP rs1555517100, ClinGen allele CA658658496.